The following is an entry in ClinVar:

NM_005401.5(PTPN14):c.715A>T (p.Ile239Phe)

Gene: PTPN14 (protein tyrosine phosphatase non-receptor type 14; minus strand). Cytogenetic location: 1q32.3.
Variant type: single nucleotide variant.
Coding change: c.715A>T on transcript NM_005401.5 (MANE Select); coding-DNA position 715, A replaced by T.
Protein change: p.Ile239Phe; replaces isoleucine 239 with phenylalanine.
Molecular consequence: missense variant.
Genome position (GRCh38, 1-based): chr1:214,397,956, T>A on the plus strand (A>T on the coding strand, the complement: PTPN14 is on the minus strand). VCF-style: chr1-214397956-T-A. GRCh37 (hg19) VCF-style: chr1-214571299-T-A.
Other names: short protein forms I239F.
Identifiers: ClinVar variation 2672139 (VCV002672139.1), dbSNP rs746314677, ClinGen allele CA1389338.

ClinVar aggregate classification (germline): Uncertain significance (1 of 4 stars; one submission).

Conditions:
Lymphedema-posterior choanal atresia syndrome. Identifiers: Orphanet 99141, MedGen C3150875, MONDO:0013324, OMIM 613611.

Allele frequency attached by ClinVar (database versions not stated): gnomAD 0.00001; gnomAD exomes 0.00001; TOPMed 0.00001; ExAC 0.00002.
gnomAD v4.1: 9 of 1,612,910 alleles (0.00056%); highest among the groups gnomAD compares: Admixed American, 0.015%; no homozygotes.

Submission:

Clinical Genomics Laboratory, Washington University in St. Louis
Classification: Uncertain significance for Lymphedema-posterior choanal atresia syndrome. Last evaluated: 2023-09-15. Review status: criteria provided, single submitter. Criteria: ACMG Guidelines, 2015. Collection method: clinical testing. Allele origin: germline.
Comment: The PTPN14 c.715A>T (p.Ile239Phe) variant was identified at a near-heterozygous allelic fraction. This variant, to our knowledge, has not been reported in the medical literature. This variant is only observed on 1/152106 alleles in the general population (gnomAD v.3.1.2), indicating it is not a common variant. Computational predictors indicate that the variant is damaging; however, functional evidence that correlates with impact on PTPN14 function is lacking. Due to limited information and based on ACMG/AMP guidelines for variant interpretation (Richards S et al., PMID: 25741868), the clinical significance of this variant is uncertain at this time.